The following is an entry in ClinVar:

ClinVar aggregate classification (germline): Uncertain significance. Review status: criteria provided, multiple submitters, no conflicts (2 of 4 stars). 4 submissions from 4 submitters: Uncertain significance (4). Last evaluated 2025-06-12.

Conditions:
Classic or attenuated familial adenomatous polyposis. Identifiers: MedGen CN372698, MONDO:0021057.
Familial adenomatous polyposis 1 (FAP1). Also called: FAMILIAL ADENOMATOUS POLYPOSIS 1, ATTENUATED; POLYPOSIS, ADENOMATOUS INTESTINAL. Identifiers: MedGen C2713442, MONDO:0021056, OMIM 175100. Disease mechanism: loss of function.
Hereditary cancer-predisposing syndrome. Also called: Neoplastic Syndromes, Hereditary; Tumor predisposition; Hereditary Cancer Syndrome; Hereditary neoplastic syndrome. Identifiers: Orphanet 140162, MedGen C0027672, MeSH D009386, MONDO:0015356.

Allele frequency attached by ClinVar (database versions not stated): gnomAD exomes below 0.00001.
gnomAD v4.1: 3 of 1,614,030 alleles (0.00019%); highest among the groups gnomAD compares: Non-Finnish European, 0.00017%; no homozygotes.

Submissions (4):

Color Diagnostics, LLC DBA Color Health
Classification: Uncertain significance for Hereditary cancer-predisposing syndrome. Last evaluated: 2025-06-12. Review status: criteria provided, single submitter. Criteria: ACMG Guidelines, 2015. Collection method: clinical testing. Allele origin: germline.
Comment: This missense variant replaces serine with threonine at codon 80 of the APC protein. Computational prediction suggests that this variant may not impact protein structure and function. To our knowledge, functional studies have not been reported for this variant. This variant has not been reported in individuals affected with APC-related disorders in the literature. This variant has been identified in 1/251404 chromosomes in the general population by the Genome Aggregation Database (gnomAD). The available evidence is insufficient to determine the role of this variant in disease conclusively. Therefore, this variant is classified as a Variant of Uncertain Significance.

Labcorp Genetics (formerly Invitae), Labcorp
Classification: Uncertain significance for Familial adenomatous polyposis 1. Last evaluated: 2025-03-30. Review status: criteria provided, single submitter. Criteria: Invitae Variant Classification Sherloc (09022015). Collection method: clinical testing. Allele origin: germline.
Comment: This sequence change replaces serine, which is neutral and polar, with threonine, which is neutral and polar, at codon 80 of the APC protein (p.Ser80Thr). This variant is present in population databases (no rsID available, gnomAD 0.0009%). This variant has not been reported in the literature in individuals affected with APC-related conditions. ClinVar contains an entry for this variant (Variation ID: 231828). Invitae Evidence Modeling of protein sequence and biophysical properties (such as structural, functional, and spatial information, amino acid conservation, physicochemical variation, residue mobility, and thermodynamic stability) indicates that this missense variant is not expected to disrupt APC protein function with a negative predictive value of 95%. In summary, the available evidence is currently insufficient to determine the role of this variant in disease. Therefore, it has been classified as a Variant of Uncertain Significance.

Ambry Genetics
Classification: Uncertain significance for Hereditary cancer-predisposing syndrome. Last evaluated: 2024-02-12. Review status: criteria provided, single submitter. Criteria: Ambry Variant Classification Scheme 2023. Collection method: clinical testing. Allele origin: germline.
Comment: The p.S80T variant (also known as c.239G>C), located in coding exon 3 of the APC gene, results from a G to C substitution at nucleotide position 239. The serine at codon 80 is replaced by threonine, an amino acid with similar properties. This amino acid position is well conserved in available vertebrate species. In addition, in silico predictors for this gene do not accurately predict pathogenicity. Based on the available evidence, the clinical significance of this alteration remains unclear.

All of Us Research Program, National Institutes of Health
Classification: Uncertain significance for Classic or attenuated familial adenomatous polyposis. Last evaluated: 2023-05-04. Review status: criteria provided, single submitter. Criteria: ACMG Guidelines, 2015. Collection method: clinical testing. Allele origin: germline. Inheritance: Autosomal dominant inheritance. Observed: 1 variant allele, 1 heterozygote.
Comment: This study involves interpretation of variants in research participants for the purpose of population health screening. Participant phenotype was not available at the time of variant classification. Additional details can be found in publication PMID: 35346344, PMCID: PMC8962531

NM_000038.6(APC):c.239G>C (p.Ser80Thr)

Gene: APC (APC regulator of Wnt signaling pathway; plus strand). Cytogenetic location: 5q22.2.
Variant type: single nucleotide variant.
Coding change: c.239G>C on transcript NM_000038.6 (MANE Select); coding-DNA position 239, G replaced by C.
Protein change: p.Ser80Thr; replaces serine 80 with threonine.
Molecular consequence: missense variant. On other transcripts: 5 prime UTR variant (1).
Genome position (GRCh38, 1-based): chr5:112,767,207, G>C. VCF-style: chr5-112767207-G-C. GRCh37 (hg19) VCF-style: chr5-112102904-G-C.
Other names: c.239G>C, p.Ser80Thr (NM_001127510.3, NM_001354895.2, NM_001354896.2 and 2 more transcripts); c.269G>C, p.Ser90Thr (NM_001127511.3, NM_001354897.2, NM_001354902.2); c.164G>C, p.Ser55Thr (NM_001354898.2, NM_001354904.2); c.62G>C, p.Ser21Thr (NM_001354900.2, NM_001354901.2, NM_001354905.2); c.-797G>C (NM_001354906.2); short protein forms S80T, S90T, S55T, S21T.
Identifiers: ClinVar variation 231828 (VCV000231828.20), dbSNP rs876659390, ClinGen allele CA10578286.